The following is an entry in ClinVar:

ClinVar aggregate classification (germline): Benign. Review status: criteria provided, multiple submitters, no conflicts (2 of 4 stars). 4 submissions from 4 submitters: Benign (3). 1 of the submissions does not count toward it. Last evaluated 2026-01-27.

Conditions:
VPS13D-related disorder. Also called: VPS13D-related condition.

Allele frequency attached by ClinVar (database versions not stated): ESP Exome Variant Server 0.00792; TOPMed 0.00964; 1000 Genomes Project 0.01118; 1000 Genomes Project 30x 0.01140.
gnomAD v4.1: 2,650 of 1,614,116 alleles (0.16%); highest among the groups gnomAD compares: African/African-American, 3.1%; 37 homozygotes.

Submissions (4):

Labcorp Genetics (formerly Invitae), Labcorp
Classification: Benign. Last evaluated: 2026-01-27. Review status: criteria provided, single submitter. Criteria: Invitae Variant Classification Sherloc (09022015). Collection method: clinical testing. Allele origin: germline.

Mayo Clinic Laboratories, Mayo Clinic
Classification: Benign. Last evaluated: 2024-09-23. Review status: criteria provided, single submitter. Criteria: ACMG Guidelines, 2015. Collection method: clinical testing. Allele origin: germline. Observed: 4 variant alleles.
Comment: BA1, BP4, BP7

Breakthrough Genomics
Classification: Benign. Review status: criteria provided, single submitter. Criteria: ACMG Guidelines, 2015. Collection method: not provided. Allele origin: germline. Inheritance: Autosomal recessive inheritance. Affected: yes.

PreventionGenetics, part of Exact Sciences
Classification: Benign for VPS13D-related condition. Last evaluated: 2019-02-26. Review status: no assertion criteria provided. Collection method: clinical testing. Allele origin: germline. Not counted in ClinVar's aggregate classification.
Comment: This variant is classified as benign based on ACMG/AMP sequence variant interpretation guidelines (Richards et al. 2015 PMID: 25741868, with internal and published modifications).

NM_015378.4(VPS13D):c.4291C>T (p.Leu1431=)

Gene: VPS13D (vacuolar protein sorting 13 homolog D; plus strand). Cytogenetic location: 1p36.22.
Variant type: single nucleotide variant.
Coding change: c.4291C>T on transcript NM_015378.4 (MANE Select); coding-DNA position 4291, C replaced by T.
Protein change: p.Leu1431=; no amino-acid change (leucine 1431 retained).
Molecular consequence: synonymous variant.
Genome position (GRCh38, 1-based): chr1:12,277,879, C>T. VCF-style: chr1-12277879-C-T. GRCh37 (hg19) VCF-style: chr1-12337936-C-T.
Other names: p.Leu1431=; c.4291C>T, p.Leu1431= (NM_018156.4).
Identifiers: ClinVar variation 786979 (VCV000786979.14), dbSNP rs72866605, ClinGen allele CA602108.
Genomic context (GRCh38, chr1:12,277,879, plus strand): 5'-GTGGCGGGAGATGATGAATCCAGAAGTGACCGTCTGCAGGTGGAAATCAAGGACATTAAA[C>T]TGTATTCTTTGAATTGCACCCAGTTGGCAGGTAGAGAAGCTGTTGGGTCTGAAGGAAGCC-3'
Protein context (NP_056193.2, residues 1421-1441): RLQVEIKDIK[Leu1431=]YSLNCTQLAG